The following is an entry in ClinVar:

NM_015030.2(FRYL):c.3559G>A (p.Gly1187Ser)

Gene: FRYL (FRY like transcription coactivator; minus strand). Cytogenetic location: 4p11.
Variant type: single nucleotide variant.
Coding change: c.3559G>A on transcript NM_015030.2 (MANE Select); coding-DNA position 3559, G replaced by A.
Protein change: p.Gly1187Ser; replaces glycine 1187 with serine.
Molecular consequence: missense variant.
Genome position (GRCh38, 1-based): chr4:48,563,985, C>T on the plus strand (G>A on the coding strand, the complement: FRYL is on the minus strand). VCF-style: chr4-48563985-C-T. GRCh37 (hg19) VCF-style: chr4-48566002-C-T.
Other names: short protein forms G1187S.
Identifiers: ClinVar variation 4084278 (VCV004084278.8).

ClinVar aggregate classification (germline): Likely benign (1 of 4 stars; one submission).

gnomAD v4.1: 1,037 of 1,613,878 alleles (0.064%); highest among the groups gnomAD compares: Non-Finnish European, 0.017%; 9 homozygotes.

Submission:

CeGaT Center for Human Genetics Tuebingen
Classification: Likely benign. Last evaluated: 2025-07-01. Review status: criteria provided, single submitter. Criteria: CeGaT Center For Human Genetics Tuebingen Variant Classification Criteria Version 2. Collection method: clinical testing. Allele origin: germline. Affected: yes. Observed: 1 variant allele.
Comment: FRYL: BS1